The following is an entry in ClinVar:

ClinVar aggregate classification (germline): Uncertain significance. Review status: criteria provided, multiple submitters, no conflicts (2 of 4 stars). 4 submissions from 4 submitters: Uncertain significance (4). Last evaluated 2025-11-21.

Conditions:
A2ML1-related disorder. Also called: A2ML1-related condition.

Allele frequency attached by ClinVar (database versions not stated): gnomAD exomes below 0.00001; TOPMed below 0.00001; gnomAD 0.00001.
gnomAD v4.1: 18 of 1,614,042 alleles (0.0011%); highest among the groups gnomAD compares: East Asian, 0.0045%; no homozygotes.

Submissions (4):

Labcorp Genetics (formerly Invitae), Labcorp
Classification: Uncertain significance. Last evaluated: 2025-11-21. Review status: criteria provided, single submitter. Criteria: Invitae Variant Classification Sherloc (09022015). Collection method: clinical testing. Allele origin: germline.
Comment: This sequence change replaces glycine, which is neutral and non-polar, with serine, which is neutral and polar, at codon 544 of the A2ML1 protein (p.Gly544Ser). This variant is present in population databases (no rsID available, gnomAD no frequency). This variant has not been reported in the literature in individuals affected with A2ML1-related conditions. ClinVar contains an entry for this variant (Variation ID: 1402790). An algorithm developed to predict the effect of missense changes on protein structure and function (PolyPhen-2) suggests that this variant is likely to be tolerated. In summary, the available evidence is currently insufficient to determine the role of this variant in disease. Therefore, it has been classified as a Variant of Uncertain Significance.

Ambry Genetics
Classification: Uncertain significance. Last evaluated: 2024-11-14. Review status: criteria provided, single submitter. Criteria: Ambry Variant Classification Scheme 2023. Collection method: clinical testing. Allele origin: germline.

PreventionGenetics, part of Exact Sciences
Classification: Uncertain significance for A2ML1-related condition. Last evaluated: 2023-06-29. Review status: criteria provided, single submitter. Criteria: ACMG Guidelines, 2015. Collection method: clinical testing. Allele origin: germline.
Comment: The A2ML1 c.1630G>A variant is predicted to result in the amino acid substitution p.Gly544Ser. To our knowledge, this variant has not been reported in the literature. This variant is reported in 0.0% of alleles in individuals of African descent in gnomAD. At this time, the clinical significance of this variant is uncertain due to the absence of conclusive functional and genetic evidence.

Women's Health and Genetics/Laboratory Corporation of America, LabCorp
Classification: Uncertain significance. Last evaluated: 2022-11-21. Review status: criteria provided, single submitter. Criteria: LabCorp Variant Classification Summary - May 2015. Collection method: clinical testing. Allele origin: germline.
Comment: Variant summary: A2ML1 c.1630G>A (p.Gly544Ser) results in a non-conservative amino acid change located in the Alpha-2-macroglobulin, bait region domain (IPR011625) of the encoded protein sequence. Three of four in-silico tools predict a benign effect of the variant on protein function. The variant allele was found at a frequency of 4e-06 in 249578 control chromosomes (gnomAD). The available data on variant occurrences in the general population are insufficient to allow any conclusion about variant significance. To our knowledge, no occurrence of c.1630G>A in individuals affected with Noonan Syndrome and no experimental evidence demonstrating its impact on protein function have been reported. One clinical diagnostic laboratory has submitted clinical-significance assessments for this variant to ClinVar after 2014 without evidence for independent evaluation and classified the variant as uncertain significance. Based on the evidence outlined above, the variant was classified as uncertain significance.

NM_144670.6(A2ML1):c.1630G>A (p.Gly544Ser)

Gene: A2ML1 (alpha-2-macroglobulin like 1; plus strand). Cytogenetic location: 12p13.31.
Variant type: single nucleotide variant.
Coding change: c.1630G>A on transcript NM_144670.6 (MANE Select); coding-DNA position 1630, G replaced by A.
Protein change: p.Gly544Ser; replaces glycine 544 with serine.
Molecular consequence: missense variant.
Genome position (GRCh38, 1-based): chr12:8,846,169, G>A. VCF-style: chr12-8846169-G-A. GRCh37 (hg19) VCF-style: chr12-8998765-G-A.
Other names: c.1630G>A (NM_144670.5); c.157G>A, p.Gly53Ser (NM_001282424.3); short protein forms G53S, G544S.
Identifiers: ClinVar variation 1402790 (VCV001402790.10), dbSNP rs1032646451, ClinGen allele CA232680615.